The following is an entry in ClinVar:

NM_001126108.2(SLC12A3):c.823_824dup (p.Leu276fs)

Gene: SLC12A3 (solute carrier family 12 member 3; plus strand). Cytogenetic location: 16q13.
Variant type: Microsatellite.
Coding change: c.823_824dup on transcript NM_001126108.2 (MANE Select); coding-DNA positions 823 to 824, 2 bases duplicated (TC; older notation c.823_824dupTC).
Protein change: p.Leu276fs; shifts the reading frame from leucine 276.
Molecular consequence: frameshift variant.
Genome position (GRCh38, 1-based): chr16:56,870,707-56,870,708, TC duplicated; duplicating any 2 consecutive bases within chr16:56,870,705-56,870,708 gives the same sequence; the c. name uses the placement nearest the transcript's 3' end. VCF-style (leftmost placement, unchanged base first): chr16-56870704-A-ATC. GRCh37 (hg19) VCF-style: chr16-56904616-A-ATC.
Other names: c.823_824dup, p.Leu276fs (NM_000339.3); c.820_821dup, p.Leu275fs (NM_001126107.2, NM_001410896.1); short protein forms L275fs, L276fs.
Identifiers: ClinVar variation 2754437 (VCV002754437.3), dbSNP rs2543483756, ClinGen allele CA2697555858.

ClinVar aggregate classification (germline): Pathogenic (1 of 4 stars; one submission).

Submission:

Labcorp Genetics (formerly Invitae), Labcorp
Classification: Pathogenic. Last evaluated: 2023-08-30. Review status: criteria provided, single submitter. Criteria: Invitae Variant Classification Sherloc (09022015). Collection method: clinical testing. Allele origin: germline.
Comment: This variant is not present in population databases (gnomAD no frequency). This variant has not been reported in the literature in individuals affected with SLC12A3-related conditions. For these reasons, this variant has been classified as Pathogenic. This sequence change creates a premature translational stop signal (p.Leu276Profs*27) in the SLC12A3 gene. It is expected to result in an absent or disrupted protein product. Loss-of-function variants in SLC12A3 are known to be pathogenic (PMID: 20848653, 22009145, 25841442).

Literature cited by the submitters: PubMed 20848653; PubMed 22009145; PubMed 25841442.